The following is an entry in ClinVar:

NM_001018115.3(FANCD2):c.2425A>T (p.Lys809Ter)

Genes: FANCD2 (FA complementation group D2; plus strand), LOC107303338 (3p25 FANCD2 Alu-mediated recombination region; plus strand). Cytogenetic location: 3p25.3.
Variant type: single nucleotide variant.
Coding change: c.2425A>T on transcript NM_001018115.3 (MANE Select); coding-DNA position 2425, A replaced by T.
Protein change: p.Lys809Ter; replaces lysine 809 with a stop codon.
Molecular consequence: nonsense.
Genome position (GRCh38, 1-based): chr3:10,067,248, A>T. VCF-style: chr3-10067248-A-T. GRCh37 (hg19) VCF-style: chr3-10108932-A-T.
Other names: c.2425A>T, p.Lys809Ter (NM_033084.6, NM_001319984.2, NM_001374254.1); c.2314A>T, p.Lys772Ter (NM_001374253.1); short protein forms K809*, K772*.
Identifiers: ClinVar variation 2832092 (VCV002832092.3), dbSNP rs2469975881, ClinGen allele CA351737998.

ClinVar aggregate classification (germline): Pathogenic (1 of 4 stars; one submission).

Conditions:
Fanconi anemia (FA). Also called: Fanconi's anemia. Identifiers: Orphanet 84, MedGen C0015625, MeSH D005199, MONDO:0019391.

Submission:

Labcorp Genetics (formerly Invitae), Labcorp
Classification: Pathogenic for Fanconi anemia. Last evaluated: 2023-01-26. Review status: criteria provided, single submitter. Criteria: Invitae Variant Classification Sherloc (09022015). Collection method: clinical testing. Allele origin: germline.
Comment: For these reasons, this variant has been classified as Pathogenic. Algorithms developed to predict the effect of sequence changes on RNA splicing suggest that this variant may disrupt the consensus splice site. This variant has not been reported in the literature in individuals affected with FANCD2-related conditions. This variant is not present in population databases (gnomAD no frequency). This sequence change creates a premature translational stop signal (p.Lys809*) in the FANCD2 gene. It is expected to result in an absent or disrupted protein product. Loss-of-function variants in FANCD2 are known to be pathogenic (PMID: 17436244).

Literature cited by the submitters: PubMed 17436244.